The following is an entry in ClinVar:

ClinVar aggregate classification (germline): Uncertain significance. Review status: criteria provided, multiple submitters, no conflicts (2 of 4 stars). 2 submissions from 2 submitters: Uncertain significance (2). Last evaluated 2024-07-29.

Conditions:
Myopathy, centronuclear, 5 (CNM5). Identifiers: Orphanet 169186, MedGen C4014814, MONDO:0014418, OMIM 615959.

Allele frequency attached by ClinVar (database versions not stated): gnomAD 0.00001 and 0.00002; TOPMed 0.00003; ExAC 0.00005; gnomAD exomes 0.00005; 1000 Genomes Project 30x 0.00031; 1000 Genomes Project 0.00040.
gnomAD v4.1: 13 of 1,581,126 alleles (0.00082%); highest among the groups gnomAD compares: East Asian, 0.018%; no homozygotes.

Submissions (2):

Labcorp Genetics (formerly Invitae), Labcorp
Classification: Uncertain significance. Last evaluated: 2024-07-29. Review status: criteria provided, single submitter. Criteria: Invitae Variant Classification Sherloc (09022015). Collection method: clinical testing. Allele origin: germline.
Comment: This sequence change replaces aspartic acid, which is acidic and polar, with alanine, which is neutral and non-polar, at codon 1316 of the SPEG protein (p.Asp1316Ala). This variant is present in population databases (rs377373189, gnomAD 0.06%). This variant has not been reported in the literature in individuals affected with SPEG-related conditions. ClinVar contains an entry for this variant (Variation ID: 1384104). An algorithm developed to predict the effect of missense changes on protein structure and function (PolyPhen-2) suggests that this variant is likely to be tolerated. In summary, the available evidence is currently insufficient to determine the role of this variant in disease. Therefore, it has been classified as a Variant of Uncertain Significance.

Revvity Omics, Revvity
Classification: Uncertain significance for Myopathy, centronuclear, 5. Last evaluated: 2023-09-06. Review status: criteria provided, single submitter. Criteria: ACMG Guidelines, 2015. Collection method: clinical testing. Allele origin: germline.

NM_005876.5(SPEG):c.3947A>C (p.Asp1316Ala)

Gene: SPEG (striated muscle enriched protein kinase; plus strand). Cytogenetic location: 2q35.
Variant type: single nucleotide variant.
Coding change: c.3947A>C on transcript NM_005876.5 (MANE Select); coding-DNA position 3947, A replaced by C.
Protein change: p.Asp1316Ala; replaces aspartic acid 1316 with alanine.
Molecular consequence: missense variant.
Genome position (GRCh38, 1-based): chr2:219,472,896, A>C. VCF-style: chr2-219472896-A-C. GRCh37 (hg19) VCF-style: chr2-220337618-A-C.
Other names: short protein forms D1316A.
Identifiers: ClinVar variation 1384104 (VCV001384104.9), dbSNP rs377373189, ClinGen allele CA2126359.
Genomic context (GRCh38, chr2:219,472,896, plus strand): 5'-GGGAGGGGTTACTGCTCCTGCAACAGCAGCCTCTAGTAGCTCCTCTCCCGCCAGACCCGG[A>C]CTCCCTGACGTACACAGTGCAGCACCAGGTGCTGGGCTCGGACCAGTGGACGGCACTGGT-3'
Protein context (NP_005867.3, residues 1306-1326): PRSLDMAIDP[Asp1316Ala]SLTYTVQHQV